The following is an entry in ClinVar:

NM_001083926.2(ASRGL1):c.880C>T (p.His294Tyr)

Gene: ASRGL1 (asparaginase and isoaspartyl peptidase 1; plus strand). Cytogenetic location: 11q12.3.
Variant type: single nucleotide variant.
Coding change: c.880C>T on transcript NM_001083926.2 (MANE Select); coding-DNA position 880, C replaced by T.
Protein change: p.His294Tyr; replaces histidine 294 with tyrosine.
Molecular consequence: missense variant.
Genome position (GRCh38, 1-based): chr11:62,392,237, C>T. VCF-style: chr11-62392237-C-T. GRCh37 (hg19) VCF-style: chr11-62159709-C-T.
Other names: c.880C>T, p.His294Tyr (NM_025080.4); short protein forms H294Y.
Identifiers: ClinVar variation 1965737 (VCV001965737.5), dbSNP rs1463563618, ClinGen allele CA380871875.

ClinVar aggregate classification (germline): Uncertain significance (1 of 4 stars; one submission).

Allele frequency attached by ClinVar (database versions not stated): gnomAD exomes 0.00001.
gnomAD v4.1: 4 of 1,614,204 alleles (0.00025%); highest among the groups gnomAD compares: Non-Finnish European, 0.00034%; no homozygotes.

Submission:

Labcorp Genetics (formerly Invitae), Labcorp
Classification: Uncertain significance. Last evaluated: 2022-04-15. Review status: criteria provided, single submitter. Criteria: Invitae Variant Classification Sherloc (09022015). Collection method: clinical testing. Allele origin: germline.
Comment: This sequence change replaces histidine, which is basic and polar, with tyrosine, which is neutral and polar, at codon 294 of the ASRGL1 protein (p.His294Tyr). This variant is present in population databases (no rsID available, gnomAD 0.0009%). This variant has not been reported in the literature in individuals affected with ASRGL1-related conditions. Algorithms developed to predict the effect of missense changes on protein structure and function output the following: SIFT: "Tolerated"; PolyPhen-2: "Benign"; Align-GVGD: "Class C0". The tyrosine amino acid residue is found in multiple mammalian species, which suggests that this missense change does not adversely affect protein function. In summary, the available evidence is currently insufficient to determine the role of this variant in disease. Therefore, it has been classified as a Variant of Uncertain Significance.